The following is an entry in ClinVar:

ClinVar aggregate classification (germline): Benign (1 of 4 stars; one submission).

Allele frequency attached by ClinVar (database versions not stated): 1000 Genomes Project 30x 0.32355; 1000 Genomes Project 0.32947; TOPMed 0.36864; gnomAD 0.38965 and 0.39299.
gnomAD v4.1: 59,745 of 151,920 alleles (39%); highest among the groups gnomAD compares: Non-Finnish European, 53%; 14,172 homozygotes.

Submission:

GeneDx
Classification: Benign. Last evaluated: 2018-06-14. Review status: criteria provided, single submitter. Criteria: GeneDx Variant Classification (06012015). Collection method: clinical testing. Allele origin: germline. Affected: yes.
Comment: This variant is considered likely benign or benign based on one or more of the following criteria: it is a conservative change, it occurs at a poorly conserved position in the protein, it is predicted to be benign by multiple in silico algorithms, and/or has population frequency not consistent with disease.

NM_001103.4(ACTN2):c.126+157A>G

Gene: ACTN2 (actinin alpha 2; plus strand). Cytogenetic location: 1q43.
Variant type: single nucleotide variant.
Coding change: c.126+157A>G on transcript NM_001103.4 (MANE Select); 157 bases into the intron after coding-DNA position 126, A replaced by G.
Molecular consequence: intron variant.
Genome position (GRCh38, 1-based): chr1:236,686,956, A>G. VCF-style: chr1-236686956-A-G. GRCh37 (hg19) VCF-style: chr1-236850256-A-G.
Other names: c.-696+157A>G (NM_001278344.2); c.126+157A>G (NM_001278343.2).
Identifiers: ClinVar variation 671981 (VCV000671981.1), dbSNP rs12046163, ClinGen allele CA10757052.